The following is an entry in ClinVar:

ClinVar aggregate classification (germline): Uncertain significance (1 of 4 stars; one submission).

Conditions:
Hereditary sensory and autonomic neuropathy type 7. Also called: Neuropathy, hereditary sensory and autonomic, type VII; HSAN VII. Identifiers: Orphanet 391397, MedGen C3809882, MONDO:0014244, OMIM 615548.
Familial episodic pain syndrome with predominantly lower limb involvement. Also called: Episodic pain syndrome, familial, 3. Identifiers: Orphanet 391384, Orphanet 391392, MedGen C3809899, MONDO:0014247, OMIM 615552.

Allele frequency attached by ClinVar (database versions not stated): gnomAD exomes below 0.00001.
gnomAD v4.1: 2 of 1,614,054 alleles (0.00012%); highest among the groups gnomAD compares: Admixed American, 0.0033%; no homozygotes.

Submission:

Labcorp Genetics (formerly Invitae), Labcorp
Classification: Uncertain significance for Familial episodic pain syndrome with predominantly lower limb involvement; Hereditary sensory and autonomic neuropathy type 7. Last evaluated: 2022-09-06. Review status: criteria provided, single submitter. Criteria: Invitae Variant Classification Sherloc (09022015). Collection method: clinical testing. Allele origin: germline.
Comment: In summary, the available evidence is currently insufficient to determine the role of this variant in disease. Therefore, it has been classified as a Variant of Uncertain Significance. Algorithms developed to predict the effect of missense changes on protein structure and function (SIFT, PolyPhen-2, Align-GVGD) all suggest that this variant is likely to be tolerated. ClinVar contains an entry for this variant (Variation ID: 1379712). This variant has not been reported in the literature in individuals affected with SCN11A-related conditions. This variant is not present in population databases (gnomAD no frequency). This sequence change replaces serine, which is neutral and polar, with arginine, which is basic and polar, at codon 292 of the SCN11A protein (p.Ser292Arg).

NM_001349253.2(SCN11A):c.876T>A (p.Ser292Arg)

Gene: SCN11A (sodium voltage-gated channel alpha subunit 11; minus strand). Cytogenetic location: 3p22.2.
Variant type: single nucleotide variant.
Coding change: c.876T>A on transcript NM_001349253.2 (MANE Select); coding-DNA position 876, T replaced by A.
Protein change: p.Ser292Arg; replaces serine 292 with arginine.
Molecular consequence: missense variant.
Genome position (GRCh38, 1-based): chr3:38,921,092, A>T on the plus strand (T>A on the coding strand, the complement: SCN11A is on the minus strand). VCF-style: chr3-38921092-A-T. GRCh37 (hg19) VCF-style: chr3-38962583-A-T.
Other names: c.876T>A, p.Ser292Arg (NM_014139.3); short protein forms S292R.
Identifiers: ClinVar variation 1379712 (VCV001379712.8), dbSNP rs2066042978, ClinGen allele CA352171917.
Genomic context (GRCh38, chr3:38,921,092, plus strand): 5'-AACCATGCAAAAACCAAGGAGTGAAAGAAAGGTTGGGTATTTACCATAAGCTTCCGGGTT[A>T]CTGATATTTTTACAGTCCCTCGAGATGCATTTCAGGTTCAGACTTCCCATGAAGAGCTGC-3'
Protein context (NP_001336182.1, residues 282-302): KCISRDCKNI[Ser292Arg]NPEAYDHCFE